The following is an entry in ClinVar:

NM_004172.5(SLC1A3):c.176T>C (p.Ile59Thr)

Gene: SLC1A3 (solute carrier family 1 member 3; plus strand). Cytogenetic location: 5p13.2.
Variant type: single nucleotide variant.
Coding change: c.176T>C on transcript NM_004172.5 (MANE Select); coding-DNA position 176, T replaced by C.
Protein change: p.Ile59Thr; replaces isoleucine 59 with threonine.
Molecular consequence: missense variant.
Genome position (GRCh38, 1-based): chr5:36,608,599, T>C. VCF-style: chr5-36608599-T-C. GRCh37 (hg19) VCF-style: chr5-36608701-T-C.
Other names: c.176T>C, p.Ile59Thr (NM_001166695.3, NM_001166696.3, NM_001289939.2 and 1 more transcripts); short protein forms I59T.
Identifiers: ClinVar variation 3712641 (VCV003712641.2).
Genomic context (GRCh38, chr5:36,608,599, plus strand): 5'-AGGATGTTAAAAGTTACCTGTTTCGGAATGCTTTTGTGCTGCTCACAGTCACCGCTGTCA[T>C]TGTGGGTGAGTCATTTGATTAAAAACAAAAAAACCTGTATCTTGTTTCTCTGGGGCATCT-3'
Protein context (NP_004163.3, residues 49-69): AFVLLTVTAV[Ile59Thr]VGTILGFTLR

ClinVar aggregate classification (germline): Uncertain significance (1 of 4 stars; one submission).

gnomAD v4.1: 15 of 1,611,490 alleles (0.00093%); highest among the groups gnomAD compares: African/African-American, 0.0082%; no homozygotes.

Submission:

Labcorp Genetics (formerly Invitae), Labcorp
Classification: Uncertain significance. Last evaluated: 2024-05-02. Review status: criteria provided, single submitter. Criteria: Invitae Variant Classification Sherloc (09022015). Collection method: clinical testing. Allele origin: germline.
Comment: This sequence change replaces isoleucine, which is neutral and non-polar, with threonine, which is neutral and polar, at codon 59 of the SLC1A3 protein (p.Ile59Thr). This variant is present in population databases (rs555176478, gnomAD 0.008%). This variant has not been reported in the literature in individuals affected with SLC1A3-related conditions. Advanced modeling of protein sequence and biophysical properties (such as structural, functional, and spatial information, amino acid conservation, physicochemical variation, residue mobility, and thermodynamic stability) performed at Invitae indicates that this missense variant is not expected to disrupt SLC1A3 protein function with a negative predictive value of 80%. In summary, the available evidence is currently insufficient to determine the role of this variant in disease. Therefore, it has been classified as a Variant of Uncertain Significance.